The following is an entry in ClinVar:

ClinVar aggregate classification (germline): Uncertain significance. Review status: criteria provided, multiple submitters, no conflicts (2 of 4 stars). 2 submissions from 2 submitters: Uncertain significance (2). Last evaluated 2024-09-25.

Allele frequency attached by ClinVar (database versions not stated): ExAC 0.00001; gnomAD exomes 0.00002; gnomAD 0.00003.
gnomAD v4.1: 26 of 1,614,080 alleles (0.0016%); highest among the groups gnomAD compares: Middle Eastern, 0.016%; no homozygotes.

Submissions (2):

Ambry Genetics
Classification: Uncertain significance. Last evaluated: 2024-09-25. Review status: criteria provided, single submitter. Criteria: Ambry Variant Classification Scheme 2023. Collection method: clinical testing. Allele origin: germline.

Labcorp Genetics (formerly Invitae), Labcorp
Classification: Uncertain significance. Last evaluated: 2022-04-17. Review status: criteria provided, single submitter. Criteria: Invitae Variant Classification Sherloc (09022015). Collection method: clinical testing. Allele origin: germline.
Comment: In summary, the available evidence is currently insufficient to determine the role of this variant in disease. Therefore, it has been classified as a Variant of Uncertain Significance. Algorithms developed to predict the effect of missense changes on protein structure and function are either unavailable or do not agree on the potential impact of this missense change (SIFT: "Deleterious"; PolyPhen-2: "Possibly Damaging"; Align-GVGD: "Class C0"). This variant has not been reported in the literature in individuals affected with DLC1-related conditions. This variant is present in population databases (rs779257355, gnomAD 0.008%). This sequence change replaces valine, which is neutral and non-polar, with isoleucine, which is neutral and non-polar, at codon 1428 of the DLC1 protein (p.Val1428Ile).

NM_182643.3(DLC1):c.4282G>A (p.Val1428Ile)

Gene: DLC1 (DLC1 Rho GTPase activating protein; minus strand). Cytogenetic location: 8p22.
Variant type: single nucleotide variant.
Coding change: c.4282G>A on transcript NM_182643.3 (MANE Select); coding-DNA position 4282, G replaced by A.
Protein change: p.Val1428Ile; replaces valine 1428 with isoleucine.
Molecular consequence: missense variant.
Genome position (GRCh38, 1-based): chr8:13,088,497, C>T on the plus strand (G>A on the coding strand, the complement: DLC1 is on the minus strand). VCF-style: chr8-13088497-C-T. GRCh37 (hg19) VCF-style: chr8-12946006-C-T.
Other names: c.2749G>A, p.Val917Ile (NM_001164271.2, NM_001348082.2, NM_001348083.1 and 6 more transcripts); c.3073G>A, p.Val1025Ile (NM_001316668.2); c.4282G>A, p.Val1428Ile (NM_001348081.2, NM_001413124.1); c.2854G>A, p.Val952Ile (NM_001413129.1); c.3064G>A, p.Val1022Ile (NM_001413130.1); c.2722G>A, p.Val908Ile (NM_001413131.1, NM_001413137.1); c.3208G>A, p.Val1070Ile (NM_001413132.1); c.2971G>A, p.Val991Ile (NM_001413135.1, NM_006094.5); and 3 more; short protein forms V1428I, V917I, V952I, V1070I, V918I, V1022I, V991I, V1025I.
Identifiers: ClinVar variation 2172547 (VCV002172547.5), dbSNP rs779257355, ClinGen allele CA4637982.
Genomic context (GRCh38, chr8:13,088,497, plus strand): 5'-TCATATATGGAGTCATCCTTGTCACAAAAAAACAACTGGGAAGCGCTCACCTTAAAACAA[C>T]GTAGTCTCGAGCAGGATGAGGTGCCATACTGTTTTGGACATACTGGTAAATTTCAGTTTG-3'
Protein context (NP_872584.2, residues 1418-1438): SMAPHPARDY[Val1428Ile]VLRTWRTNLP